The following is an entry in ClinVar:

NM_177550.5(SLC13A5):c.681G>A (p.Thr227=)

Gene: SLC13A5 (solute carrier family 13 member 5; minus strand). Cytogenetic location: 17p13.1.
Variant type: single nucleotide variant.
Coding change: c.681G>A on transcript NM_177550.5 (MANE Select); coding-DNA position 681, G replaced by A.
Protein change: p.Thr227=; no amino-acid change (threonine 227 retained).
Molecular consequence: synonymous variant.
Genome position (GRCh38, 1-based): chr17:6,703,005, C>T on the plus strand (G>A on the coding strand, the complement: SLC13A5 is on the minus strand). VCF-style: chr17-6703005-C-T. GRCh37 (hg19) VCF-style: chr17-6606324-C-T.
Other names: p.Thr227=; c.681G>A, p.Thr227= (NM_001143838.3); c.630G>A, p.Thr210= (NM_001284509.2); c.552G>A, p.Thr184= (NM_001284510.2).
Identifiers: ClinVar variation 387678 (VCV000387678.41), dbSNP rs139698810, ClinGen allele CA8331650.

ClinVar aggregate classification (germline): Likely benign. Review status: criteria provided, multiple submitters, no conflicts (2 of 4 stars). 7 submissions from 7 submitters: Likely benign (6). 1 of the submissions does not count toward it. Last evaluated 2025-10-10.

Conditions:
Inborn genetic diseases. Identifiers: MedGen C0950123, MeSH D030342.
SLC13A5-related disorder. Also called: SLC13A5-related condition.
Developmental and epileptic encephalopathy, 25 (DEE25). Also called: Epileptic encephalopathy, early infantile, 25; Developmental and epileptic encephalopathy 25, with amelogenesis imperfecta; Epileptic encephalopathy, early infantile, 25, with amelogenesis imperfecta. Identifiers: Orphanet 442835, MedGen C4014621, MONDO:0014392, OMIM 615905.

Allele frequency attached by ClinVar (database versions not stated): gnomAD 0.00012 and 0.00013; TOPMed 0.00012; gnomAD exomes 0.00015 and 0.00021; ExAC 0.00016; ESP Exome Variant Server 0.00023.
gnomAD v4.1: 317 of 1,614,098 alleles (0.02%); highest among the groups gnomAD compares: Non-Finnish European, 0.026%; no homozygotes.

Submissions (7):

Labcorp Genetics (formerly Invitae), Labcorp
Classification: Likely benign for Developmental and epileptic encephalopathy, 25. Last evaluated: 2025-10-10. Review status: criteria provided, single submitter. Criteria: Invitae Variant Classification Sherloc (09022015). Collection method: clinical testing. Allele origin: germline.

CeGaT Center for Human Genetics Tuebingen
Classification: Likely benign. Last evaluated: 2025-10-01. Review status: criteria provided, single submitter. Criteria: CeGaT Center For Human Genetics Tuebingen Variant Classification Criteria Version 2. Collection method: clinical testing. Allele origin: germline. Affected: yes. Observed: 2 variant alleles.
Comment: SLC13A5: BP4, BP7

Mayo Clinic Laboratories, Mayo Clinic
Classification: Likely benign. Last evaluated: 2025-09-06. Review status: criteria provided, single submitter. Criteria: ACMG Guidelines, 2015. Collection method: clinical testing. Allele origin: germline. Observed: 1 variant allele.
Comment: BP4, BP7

Blueprint Genetics
Classification: Likely benign. Last evaluated: 2024-09-06. Review status: criteria provided, single submitter. Criteria: ACMG Guidelines, 2015. Collection method: clinical testing. Allele origin: germline.

GeneDx
Classification: Likely benign. Last evaluated: 2020-02-18. Review status: criteria provided, single submitter. Criteria: GeneDx Variant Classification Process June 2021. Collection method: clinical testing. Allele origin: germline. Affected: yes.

Ambry Genetics
Classification: Likely benign for Inborn genetic diseases. Last evaluated: 2017-11-10. Review status: criteria provided, single submitter. Criteria: Ambry Variant Classification Scheme 2023. Collection method: clinical testing. Allele origin: germline.

PreventionGenetics, part of Exact Sciences
Classification: Likely benign for SLC13A5-related condition. Last evaluated: 2024-07-10. Review status: no assertion criteria provided. Collection method: clinical testing. Allele origin: germline. Not counted in ClinVar's aggregate classification.
Comment: This variant is classified as likely benign based on ACMG/AMP sequence variant interpretation guidelines (Richards et al. 2015 PMID: 25741868, with internal and published modifications).